The following is an entry in ClinVar:

NM_000138.5(FBN1):c.1600T>C (p.Cys534Arg)

Gene: FBN1 (fibrillin 1; minus strand). Cytogenetic location: 15q21.1.
Variant type: single nucleotide variant.
Coding change: c.1600T>C on transcript NM_000138.5 (MANE Select); coding-DNA position 1600, T replaced by C.
Protein change: p.Cys534Arg; replaces cysteine 534 with arginine.
Molecular consequence: missense variant.
Genome position (GRCh38, 1-based): chr15:48,510,158, A>G on the plus strand (T>C on the coding strand, the complement: FBN1 is on the minus strand). VCF-style: chr15-48510158-A-G. GRCh37 (hg19) VCF-style: chr15-48802355-A-G.
Other names: c.1600T>C, p.Cys534Arg (NM_001406716.1); short protein forms C534R.
Identifiers: ClinVar variation 3513517 (VCV003513517.1).
Genomic context (GRCh38, chr15:48,510,158, plus strand): 5'-GAAAACTGCCATCTGTGTTGATGCAGCGTCCATTATTGCAGATCCGGCCATTCTGTAAAC[A>G]CTCATCAATGTCTAAAATCAAAGTTTAAAAAGAAGAAATAGCTTTATTTAGGGGAGTTAA-3'
Protein context (NP_000129.3, residues 524-544): TRTECRDIDE[Cys534Arg]LQNGRICNNG

ClinVar aggregate classification (germline): Likely pathogenic (1 of 4 stars; one submission).

Conditions:
Familial thoracic aortic aneurysm and aortic dissection (TAAD). Also called: Thoracic aortic aneurysms and dissections. Identifiers: Orphanet 91387, MedGen C4707243, MONDO:0019625.

Submission:

Ambry Genetics
Classification: Likely pathogenic for Familial thoracic aortic aneurysm and aortic dissection. Last evaluated: 2024-11-04. Review status: criteria provided, single submitter. Criteria: Ambry Variant Classification Scheme 2023. Collection method: clinical testing. Allele origin: germline.
Comment: The p.C534R variant (also known as c.1600T>C), located in coding exon 13 of the FBN1 gene, results from a T to C substitution at nucleotide position 1600. The cysteine at codon 534 is replaced by arginine, an amino acid with highly dissimilar properties. This variant has been detected in individuals with features consistent with Marfan syndrome (Stheneur C et al. Eur J Hum Genet, 2009 Sep;17:1121-8; Chen ZX et al. Hum Mutat, 2021 Dec;42:1637-1647; Chen TH et al. Am J Ophthalmol, 2022 May;237:278-289; Ambry internal data). The majority of FBN1 mutations identified to date have involved the substitution or generation of cysteine residues within cbEGF domains (Vollbrandt T et al. J Biol Chem. 2004;279(31):32924-32931). Internal structural analysis indicates this alteration eliminates a disulfide bond critical for the structural integrity of the cbEGF4 domain (Ambry internal data). This amino acid position is highly conserved in available vertebrate species. In addition, this alteration is predicted to be deleterious by in silico analysis. This variant is considered to be rare based on population cohorts in the Genome Aggregation Database (gnomAD). Based on the majority of available evidence to date, this variant is likely to be pathogenic.

Literature cited by the submitters: PubMed 19293843; PubMed 34550612; PubMed 34818515.